The following is an entry in ClinVar:

ClinVar aggregate classification (germline): Likely benign. Review status: criteria provided, multiple submitters, no conflicts (2 of 4 stars). 7 submissions from 7 submitters: Likely benign (4). 3 of the submissions do not count toward it. Last evaluated 2026-01-01.

Conditions:
TTN-related disorder. Also called: TTN-related condition; TTN-related disease; TTN-related disorders.

Allele frequency attached by ClinVar (database versions not stated): TOPMed 0.00007; gnomAD 0.00009 and 0.00013; ESP Exome Variant Server 0.00017; 1000 Genomes Project 0.00020; ExAC 0.00037; gnomAD exomes 0.00020 and 0.00026; 1000 Genomes Project 30x 0.00016.
gnomAD v4.1: 314 of 1,611,042 alleles (0.019%); highest among the groups gnomAD compares: Middle Eastern, 0.28%; 3 homozygotes.

Submissions (7):

CeGaT Center for Human Genetics Tuebingen
Classification: Likely benign. Last evaluated: 2026-01-01. Review status: criteria provided, single submitter. Criteria: CeGaT Center For Human Genetics Tuebingen Variant Classification Criteria Version 2. Collection method: clinical testing. Allele origin: germline. Affected: yes. Observed: 4 variant alleles.
Comment: TTN: BP4

ARUP Laboratories, Molecular Genetics and Genomics, ARUP Laboratories
Classification: Likely benign. Last evaluated: 2025-07-03. Review status: criteria provided, single submitter. Criteria: ARUP Molecular Germline Variant Investigation Process 2024. Collection method: clinical testing. Allele origin: germline.

PreventionGenetics, part of Exact Sciences
Classification: Likely benign for TTN-related condition. Last evaluated: 2025-05-12. Review status: criteria provided, single submitter. Criteria: ACMG Guidelines, 2015. Collection method: clinical testing. Allele origin: germline.
Comment: This variant is classified as likely benign based on ACMG/AMP sequence variant interpretation guidelines (Richards et al. 2015 PMID: 25741868, with internal and published modifications).

Blueprint Genetics
Classification: Likely benign. Last evaluated: 2024-04-24. Review status: criteria provided, single submitter. Criteria: ACMG Guidelines, 2015. Collection method: clinical testing. Allele origin: germline.

Clinical Genetics DNA and cytogenetics Diagnostics Lab, Erasmus MC, Erasmus Medical Center
Classification: Likely benign. Review status: no assertion criteria provided. Collection method: clinical testing. Allele origin: germline. Affected: yes. Study: VKGL Data-share Consensus. Not counted in ClinVar's aggregate classification.

Clinical Genetics, Academic Medical Center
Classification: Likely benign. Review status: no assertion criteria provided. Collection method: clinical testing. Allele origin: germline. Affected: yes. Study: VKGL Data-share Consensus. Not counted in ClinVar's aggregate classification.

Laboratory of Diagnostic Genome Analysis, Leiden University Medical Center (LUMC)
Classification: Likely benign. Review status: no assertion criteria provided. Collection method: clinical testing. Allele origin: germline. Affected: yes. Study: VKGL Data-share Consensus. Not counted in ClinVar's aggregate classification.

NM_001267550.2(TTN):c.36082G>C (p.Val12028Leu)

Gene: TTN (titin; minus strand). Cytogenetic location: 2q31.2.
Variant type: single nucleotide variant.
Coding change: c.36082G>C on transcript NM_001267550.2 (MANE Select); coding-DNA position 36082, G replaced by C.
Protein change: p.Val12028Leu; replaces valine 12028 with leucine.
Molecular consequence: missense variant. On other transcripts: intron variant (5).
Genome position (GRCh38, 1-based): chr2:178,664,888, C>G on the plus strand (G>C on the coding strand, the complement: TTN is on the minus strand). VCF-style: chr2-178664888-C-G. GRCh37 (hg19) VCF-style: chr2-179529615-C-G.
Other names: c.13283-22571G>C (NM_003319.4); c.13859-22571G>C (NM_133437.4); c.13658-22571G>C (NM_133432.3); c.31484-1833G>C (NM_133378.4); c.34265-1833G>C (NM_001256850.1); short protein forms V12028L.
Identifiers: ClinVar variation 1205980 (VCV001205980.38), dbSNP rs373086922, ClinGen allele CA1997665.